The following is an entry in ClinVar:

NM_000288.4(PEX7):c.283T>G (p.Trp95Gly)

Gene: PEX7 (peroxisomal biogenesis factor 7; plus strand). Cytogenetic location: 6q23.3.
Variant type: single nucleotide variant.
Coding change: c.283T>G on transcript NM_000288.4 (MANE Select); coding-DNA position 283, T replaced by G.
Protein change: p.Trp95Gly; replaces tryptophan 95 with glycine.
Molecular consequence: missense variant.
Genome position (GRCh38, 1-based): chr6:136,826,413, T>G. VCF-style: chr6-136826413-T-G. GRCh37 (hg19) VCF-style: chr6-137147551-T-G.
Other names: c.169T>G, p.Trp57Gly (NM_001410945.1); short protein forms W57G, W95G.
Identifiers: ClinVar variation 3336540 (VCV003336540.2).
Genomic context (GRCh38, chr6:136,826,413, plus strand): 5'-TGGAGTGAGAACAACGAACATGTCCTCATCACCTGTAGTGGCGATGGCTCGCTGCAGCTC[T>G]GGGACACTGCCAAAGCTGCAGGGCCACTGCAAGTCTATAAAGAACACGCTCAGGAGGTAG-3'
Protein context (NP_000279.1, residues 85-105): TCSGDGSLQL[Trp95Gly]DTAKAAGPLQ

ClinVar aggregate classification (germline): Pathogenic. Review status: criteria provided, multiple submitters, no conflicts (2 of 4 stars). 2 submissions from 2 submitters: Pathogenic (2). Last evaluated 2024-05-23.

Conditions:
Peroxisome biogenesis disorder 9B. Also called: PEX7-Related Refsum Disease; PEROXISOME BIOGENESIS DISORDER, PEX7-RELATED, ATYPICAL; Refsum disease, adult, 2. Identifiers: Orphanet 773, MedGen C2749346, MONDO:0013945, OMIM 614879.
Rhizomelic chondrodysplasia punctata type 1 (RCDP1). Also called: PEX7-Related Rhizomelic Chondrodysplasia Punctata; CHONDRODYSTROPHIA CALCIFICANS PUNCTATA; PEROXISOME BIOGENESIS DISORDER 9. Identifiers: Orphanet 177, Orphanet 309789, MedGen C1859133, MONDO:0008972, OMIM 215100. Disease mechanism: loss of function.

Submissions (2):

Fulgent Genetics
Classification: Pathogenic for Rhizomelic chondrodysplasia punctata type 1; Peroxisome biogenesis disorder 9B. Last evaluated: 2024-05-23. Review status: criteria provided, single submitter. Criteria: ACMG Guidelines, 2015. Collection method: clinical testing. Allele origin: germline.

Women's Health and Genetics/Laboratory Corporation of America, LabCorp
Classification: Pathogenic for Rhizomelic chondrodysplasia punctata type 1. Last evaluated: 2024-05-16. Review status: criteria provided, single submitter. Criteria: LabCorp Variant Classification Summary - May 2015. Collection method: clinical testing. Allele origin: germline.
Comment: Variant summary: PEX7 c.283T>G (p.Trp95Gly) results in a non-conservative amino acid change in the encoded protein sequence. Five of five in-silico tools predict a damaging effect of the variant on protein function. The variant was absent in 251486 control chromosomes. c.283T>G has been reported in the literature as homozygous or in the compound heterozygous state with a pathogenic variant in multiple individuals affected with Rhizomelic Chondrodysplasia Punctata Type 1 (e.g. Motley_2002, Yang_2022, Xiao_2023). These data indicate that the variant is very likely to be associated with disease. Additionally, at least one functional study found the variant was unable to restore PTS2-mediated protein import in a complementation study with PEX7-defective cells (e.g. Motley_2002). The following publications have been ascertained in the context of this evaluation (PMID: 11781871, 38093364, 34671977). No submitters have cited clinical-significance assessments for this variant to ClinVar. Based on the evidence outlined above, the variant was classified as pathogenic.

Literature cited by the submitters: PubMed 11781871 (cited by Women's Health and Genetics/Laboratory Corporation of America, LabCorp); PubMed 34671977 (cited by Women's Health and Genetics/Laboratory Corporation of America, LabCorp); PubMed 38093364 (cited by Women's Health and Genetics/Laboratory Corporation of America, LabCorp).